The following is an entry in ClinVar:

ClinVar aggregate classification (germline): Uncertain significance (1 of 4 stars; one submission).

Allele frequency attached by ClinVar (database versions not stated): gnomAD exomes below 0.00001; ExAC 0.00002.
gnomAD v4.1: 2 of 1,613,010 alleles (0.00012%); highest among the groups gnomAD compares: Non-Finnish European, 0.00017%; no homozygotes.

Submission:

Labcorp Genetics (formerly Invitae), Labcorp
Classification: Uncertain significance. Last evaluated: 2024-05-02. Review status: criteria provided, single submitter. Criteria: Invitae Variant Classification Sherloc (09022015). Collection method: clinical testing. Allele origin: germline.
Comment: This sequence change replaces valine, which is neutral and non-polar, with methionine, which is neutral and non-polar, at codon 1752 of the CAD protein (p.Val1752Met). This variant is present in population databases (rs761787690, gnomAD 0.002%). This variant has not been reported in the literature in individuals affected with CAD-related conditions. ClinVar contains an entry for this variant (Variation ID: 2058795). An algorithm developed to predict the effect of missense changes on protein structure and function (PolyPhen-2) suggests that this variant is likely to be disruptive. In summary, the available evidence is currently insufficient to determine the role of this variant in disease. Therefore, it has been classified as a Variant of Uncertain Significance.

NM_004341.5(CAD):c.5254G>A (p.Val1752Met)

Gene: CAD (carbamoyl-phosphate synthetase 2, aspartate transcarbamylase, and dihydroorotase; plus strand). Cytogenetic location: 2p23.3.
Variant type: single nucleotide variant.
Coding change: c.5254G>A on transcript NM_004341.5 (MANE Select); coding-DNA position 5254, G replaced by A.
Protein change: p.Val1752Met; replaces valine 1752 with methionine.
Molecular consequence: missense variant.
Genome position (GRCh38, 1-based): chr2:27,239,331, G>A. VCF-style: chr2-27239331-G-A. GRCh37 (hg19) VCF-style: chr2-27462199-G-A.
Other names: c.5065G>A, p.Val1689Met (NM_001306079.2); short protein forms V1689M, V1752M.
Identifiers: ClinVar variation 2058795 (VCV002058795.4), dbSNP rs761787690, ClinGen allele CA1573802.